The following is an entry in ClinVar:

ClinVar aggregate classification (germline): Likely benign. Review status: criteria provided, multiple submitters, no conflicts (2 of 4 stars). 2 submissions from 2 submitters: Likely benign (2). Last evaluated 2025-12-19.

Conditions:
RXYLT1-related disorder. Also called: RXYLT1-related condition.

Allele frequency attached by ClinVar (database versions not stated): gnomAD below 0.00001 and 0.00003; TOPMed 0.00001; gnomAD exomes 0.00021; ExAC 0.00027.
gnomAD v4.1: 163 of 1,611,284 alleles (0.01%); highest among the groups gnomAD compares: South Asian, 0.17%; 5 homozygotes.

Submissions (2):

Labcorp Genetics (formerly Invitae), Labcorp
Classification: Likely benign. Last evaluated: 2025-12-19. Review status: criteria provided, single submitter. Criteria: Invitae Variant Classification Sherloc (09022015). Collection method: clinical testing. Allele origin: germline.

PreventionGenetics, part of Exact Sciences
Classification: Likely benign for RXYLT1-related condition. Last evaluated: 2025-08-13. Review status: criteria provided, single submitter. Criteria: ACMG Guidelines, 2015. Collection method: clinical testing. Allele origin: germline.
Comment: This variant is classified as likely benign based on ACMG/AMP sequence variant interpretation guidelines (Richards et al. 2015 PMID: 25741868, with internal and published modifications).

NM_014254.3(RXYLT1):c.42C>T (p.Ala14=)

Gene: RXYLT1 (ribitol xylosyltransferase 1; plus strand). Cytogenetic location: 12q14.2.
Variant type: single nucleotide variant.
Coding change: c.42C>T on transcript NM_014254.3 (MANE Select); coding-DNA position 42, C replaced by T.
Protein change: p.Ala14=; no amino-acid change (alanine 14 retained).
Molecular consequence: synonymous variant.
Genome position (GRCh38, 1-based): chr12:63,780,002, C>T. VCF-style: chr12-63780002-C-T. GRCh37 (hg19) VCF-style: chr12-64173782-C-T.
Identifiers: ClinVar variation 723799 (VCV000723799.9), dbSNP rs762383988, ClinGen allele CA6665970.